The following is an entry in ClinVar:

ClinVar aggregate classification (germline): Uncertain significance. Review status: criteria provided, multiple submitters, no conflicts (2 of 4 stars). 3 submissions from 3 submitters: Uncertain significance (3). Last evaluated 2024-01-09.

Allele frequency attached by ClinVar (database versions not stated): gnomAD exomes below 0.00001; gnomAD 0.00001; TOPMed 0.00001.

Submissions (3):

GeneDx
Classification: Uncertain significance. Last evaluated: 2024-01-09. Review status: criteria provided, single submitter. Criteria: GeneDx Variant Classification Process June 2021. Collection method: clinical testing. Allele origin: germline. Affected: yes.
Comment: Not observed at significant frequency in large population cohorts (gnomAD); Has not been previously published as pathogenic or benign to our knowledge; In-silico analysis is inconclusive as to whether the variant impacts protein structure/function. In the absence of functional studies, the actual effect of this sequence change is unknown

CeGaT Center for Human Genetics Tuebingen
Classification: Uncertain significance. Last evaluated: 2023-08-01. Review status: criteria provided, single submitter. Criteria: CeGaT Center For Human Genetics Tuebingen Variant Classification Criteria Version 2. Collection method: clinical testing. Allele origin: germline. Affected: yes. Observed: 1 variant allele.
Comment: MAGEL2: PM2

Blueprint Genetics
Classification: Uncertain significance. Last evaluated: 2021-09-21. Review status: criteria provided, single submitter. Criteria: ACMG Guidelines, 2015. Collection method: clinical testing. Allele origin: germline.

NM_019066.5(MAGEL2):c.1064C>T (p.Pro355Leu)

Gene: MAGEL2 (MAGE family member L2; minus strand). Cytogenetic location: 15q11.2.
Variant type: single nucleotide variant.
Coding change: c.1064C>T on transcript NM_019066.5 (MANE Select); coding-DNA position 1064, C replaced by T.
Protein change: p.Pro355Leu; replaces proline 355 with leucine.
Molecular consequence: missense variant.
Genome position (GRCh38, 1-based): chr15:23,646,679, G>A on the plus strand (C>T on the coding strand, the complement: MAGEL2 is on the minus strand). VCF-style: chr15-23646679-G-A. GRCh37 (hg19) VCF-style: chr15-23891826-G-A.
Other names: c.1064C>T (NM_019066.4); short protein forms P355L.
Identifiers: ClinVar variation 2578726 (VCV002578726.27), dbSNP rs1433937477, ClinGen allele CA391335251.